The following is an entry in ClinVar:

ClinVar aggregate classification (germline): Likely pathogenic. Review status: criteria provided, multiple submitters, no conflicts (2 of 4 stars). 2 submissions from 2 submitters: Likely pathogenic (2). Last evaluated 2025-08-25.

Conditions:
Hereditary cancer-predisposing syndrome. Also called: Neoplastic Syndromes, Hereditary; Tumor predisposition; Hereditary Cancer Syndrome; Hereditary neoplastic syndrome. Identifiers: Orphanet 140162, MedGen C0027672, MeSH D009386, MONDO:0015356.

Submissions (2):

Dasa
Classification: Likely pathogenic. Last evaluated: 2025-08-25. Review status: criteria provided, single submitter. Criteria: DASA Assertion Criteria. Collection method: clinical testing. Allele origin: germline.
Comment: NM_003002.4(SDHD):c.320T>C (p.Leu107Pro) is a missense variant that results in the substitution of leucine with proline. The affected residue or protein region has prior evidence supporting clinical relevance. This variant has been reported in individuals with SDHD-related disorders (PMID: 28977582). Also, this variant is absent from population databases. Computational evidence supports a deleterious effect. Based on the currently available evidence, this variant is classified as likely pathogenic.

Ambry Genetics
Classification: Likely pathogenic for Hereditary cancer-predisposing syndrome. Last evaluated: 2024-05-30. Review status: criteria provided, single submitter. Criteria: Ambry Variant Classification Scheme 2023. Collection method: clinical testing. Allele origin: germline.
Comment: The p.L107P variant (also known as c.320T>C), located in coding exon 4 of the SDHD gene, results from a T to C substitution at nucleotide position 320. The leucine at codon 107 is replaced by proline, an amino acid with similar properties. This variant has been observed in multiple individuals with a personal and/or family history that is consistent with SDHD-associated disease (Ambry internal data). This variant was identified in a family with multiple cases of carotid body tumors (PGLs) and was shown to segregate with disease in the affected family members through the paternal line (Otani N et al. Jpn. J. Clin. Oncol., 2017 Dec;47:1193-1197). This variant is considered to be rare based on population cohorts in the Genome Aggregation Database (gnomAD). This amino acid position is not well conserved in available vertebrate species. In addition, this alteration is predicted to be deleterious by in silico analysis. Based on the majority of available evidence to date, this variant is likely to be pathogenic.

Literature cited by the submitters: PubMed 28977582 (cited by Dasa and Ambry Genetics).

NM_003002.4(SDHD):c.320T>C (p.Leu107Pro)

Gene: SDHD (succinate dehydrogenase complex subunit D; plus strand). Cytogenetic location: 11q23.1.
Variant type: single nucleotide variant.
Coding change: c.320T>C on transcript NM_003002.4 (MANE Select); coding-DNA position 320, T replaced by C.
Protein change: p.Leu107Pro; replaces leucine 107 with proline.
Molecular consequence: missense variant. On other transcripts: synonymous variant (1), 3 prime UTR variant (1), non-coding transcript variant (1).
Genome position (GRCh38, 1-based): chr11:112,094,810, T>C. VCF-style: chr11-112094810-T-C. GRCh37 (hg19) VCF-style: chr11-111965534-T-C.
Other names: c.175T>C, p.Leu59= (NM_001276503.2); c.203T>C, p.Leu68Pro (NM_001276504.2); c.*18T>C (NM_001276506.2); short protein forms L68P, L107P.
Identifiers: ClinVar variation 1728924 (VCV001728924.5), dbSNP rs876658477, ClinGen allele CA382618744.